The following is an entry in ClinVar:

NM_004333.6(BRAF):c.1012A>G (p.Lys338Glu)

Genes: BRAF (B-Raf proto-oncogene, serine/threonine kinase; minus strand), LOC126860202 (BRD4-independent group 4 enhancer GRCh37_chr7:140493623-140494822; plus strand). Cytogenetic location: 7q34.
Variant type: single nucleotide variant.
Coding change: c.1012A>G on transcript NM_004333.6 (MANE Select); coding-DNA position 1012, A replaced by G.
Protein change: p.Lys338Glu; replaces lysine 338 with glutamic acid.
Molecular consequence: missense variant.
Genome position (GRCh38, 1-based): chr7:140,794,436, T>C on the plus strand (A>G on the coding strand, the complement: BRAF is on the minus strand). VCF-style: chr7-140794436-T-C. GRCh37 (hg19) VCF-style: chr7-140494236-T-C.
Other names: c.1012A>G, p.Lys338Glu (NM_001354609.2, NM_001374244.1, NM_001374258.1 and 4 more transcripts); c.1021A>G, p.Lys341Glu (NM_001378467.1); c.910A>G, p.Lys304Glu (NM_001378470.1); c.856A>G, p.Lys286Glu (NM_001378472.1, NM_001378473.1); c.748A>G, p.Lys250Glu (NM_001378475.1); short protein forms K341E, K286E, K304E, K338E, K250E.
Identifiers: ClinVar variation 2754449 (VCV002754449.3), dbSNP rs756332987, ClinGen allele CA4516834.

ClinVar aggregate classification (germline): Uncertain significance (1 of 4 stars; one submission).

Conditions:
RASopathy. Also called: Noonan spectrum disorder; rasopathies. Identifiers: Orphanet 536391, MedGen C5555857, MONDO:0021060.

Allele frequency attached by ClinVar (database versions not stated): ExAC 0.00001; gnomAD exomes 0.00001.
gnomAD v4.1: 21 of 1,614,080 alleles (0.0013%); highest among the groups gnomAD compares: South Asian, 0.023%; no homozygotes.

Submission:

Labcorp Genetics (formerly Invitae), Labcorp
Classification: Uncertain significance for RASopathy. Last evaluated: 2023-08-10. Review status: criteria provided, single submitter. Criteria: Invitae Variant Classification Sherloc (09022015). Collection method: clinical testing. Allele origin: germline.
Comment: Algorithms developed to predict the effect of sequence changes on RNA splicing suggest that this variant may disrupt the consensus splice site. In summary, the available evidence is currently insufficient to determine the role of this variant in disease. Therefore, it has been classified as a Variant of Uncertain Significance. Advanced modeling of protein sequence and biophysical properties (such as structural, functional, and spatial information, amino acid conservation, physicochemical variation, residue mobility, and thermodynamic stability) performed at Invitae indicates that this missense variant is not expected to disrupt BRAF protein function. This variant has not been reported in the literature in individuals affected with BRAF-related conditions. This variant is present in population databases (rs756332987, gnomAD 0.01%). This sequence change replaces lysine, which is basic and polar, with glutamic acid, which is acidic and polar, at codon 338 of the BRAF protein (p.Lys338Glu).